The following is an entry in ClinVar:

NM_003900.5(SQSTM1):c.367C>T (p.His123Tyr)

Gene: SQSTM1 (sequestosome 1; plus strand). Cytogenetic location: 5q35.3.
Variant type: single nucleotide variant.
Coding change: c.367C>T on transcript NM_003900.5 (MANE Select); coding-DNA position 367, C replaced by T.
Protein change: p.His123Tyr; replaces histidine 123 with tyrosine.
Molecular consequence: missense variant.
Genome position (GRCh38, 1-based): chr5:179,823,923, C>T. VCF-style: chr5-179823923-C-T. GRCh37 (hg19) VCF-style: chr5-179250923-C-T.
Other names: c.115C>T, p.His39Tyr (NM_001142298.2, NM_001142299.2); short protein forms H123Y, H39Y.
Identifiers: ClinVar variation 1962988 (VCV001962988.5), dbSNP rs746553762, ClinGen allele CA3600487.
Genomic context (GRCh38, chr5:179,823,923, plus strand): 5'-AAAGAGTGCCGGCGGGACCACCGCCCACCGTGTGCTCAGGAGGCGCCCCGCAACATGGTG[C>T]ACCCCAATGTGATCTGCGATGGCTGCAATGGGCCTGTGGTAGGAACCCGCTACAAGTGCA-3'
Protein context (NP_003891.1, residues 113-133): CAQEAPRNMV[His123Tyr]PNVICDGCNG

ClinVar aggregate classification (germline): Uncertain significance (1 of 4 stars; one submission).

Conditions:
Frontotemporal dementia and/or amyotrophic lateral sclerosis 1 (FTDALS1). Also called: Frontotemporal dementia with motor neuron disease 1; C9orf72 Frontotemporal Dementia and/or Amyotrophic Lateral Sclerosis. Identifiers: Orphanet 275872, MedGen C5779877, MONDO:0007105, OMIM 105550.
Paget disease of bone 2, early-onset (PDB2). Also called: Paget disease of bone 2. Identifiers: MedGen C4085251, MONDO:0011183, OMIM 602080.

Allele frequency attached by ClinVar (database versions not stated): gnomAD exomes below 0.00001; ExAC 0.00001.
gnomAD v4.1: 1 of 1,613,838 alleles (0.000062%); highest among the groups gnomAD compares: South Asian, 0.0011%; no homozygotes.

Submission:

Labcorp Genetics (formerly Invitae), Labcorp
Classification: Uncertain significance for Paget disease of bone 2, early-onset; Frontotemporal dementia and/or amyotrophic lateral sclerosis 1. Last evaluated: 2021-12-16. Review status: criteria provided, single submitter. Criteria: Invitae Variant Classification Sherloc (09022015). Collection method: clinical testing. Allele origin: germline.
Comment: In summary, the available evidence is currently insufficient to determine the role of this variant in disease. Therefore, it has been classified as a Variant of Uncertain Significance. Algorithms developed to predict the effect of missense changes on protein structure and function output the following: SIFT: "Deleterious"; PolyPhen-2: "Possibly Damaging"; Align-GVGD: "Class C25". The tyrosine amino acid residue is found in multiple mammalian species, which suggests that this missense change does not adversely affect protein function. This variant has not been reported in the literature in individuals affected with SQSTM1-related conditions. The frequency data for this variant in the population databases is considered unreliable, as metrics indicate poor data quality at this position in the gnomAD database. This sequence change replaces histidine, which is basic and polar, with tyrosine, which is neutral and polar, at codon 123 of the SQSTM1 protein (p.His123Tyr).